The following is an entry in ClinVar:

ClinVar aggregate classification (germline): Uncertain significance. Review status: criteria provided, multiple submitters, no conflicts (2 of 4 stars). 3 submissions from 3 submitters: Uncertain significance (3). Last evaluated 2025-09-26.

Conditions:
Dilated cardiomyopathy 1JJ (CMD1JJ). Identifiers: Orphanet 154, MedGen C3808935, MONDO:0014095, OMIM 615235.
Cardiovascular phenotype. Identifiers: MedGen CN230736.

Submissions (3):

Ambry Genetics
Classification: Uncertain significance for Cardiovascular phenotype. Last evaluated: 2025-09-26. Review status: criteria provided, single submitter. Criteria: Ambry Variant Classification Scheme 2023. Collection method: clinical testing. Allele origin: germline.
Comment: The c.449dupA variant, located in coding exon 4 of the LAMA4 gene, results from a duplication of A at nucleotide position 449, causing a translational frameshift with a predicted alternate stop codon (p.N150Kfs*9). This alteration is expected to result in loss of function by premature protein truncation or nonsense-mediated mRNA decay. However, loss of function of LAMA4 has not been clearly established as a mechanism of disease. The evidence for this gene-disease relationship is limited; therefore, the clinical significance of this alteration is unclear.

Labcorp Genetics (formerly Invitae), Labcorp
Classification: Uncertain significance for Dilated cardiomyopathy 1JJ. Last evaluated: 2021-12-27. Review status: criteria provided, single submitter. Criteria: Invitae Variant Classification Sherloc (09022015). Collection method: clinical testing. Allele origin: germline.
Comment: In summary, the available evidence is currently insufficient to determine the role of this variant in disease. Therefore, it has been classified as a Variant of Uncertain Significance. ClinVar contains an entry for this variant (Variation ID: 518536). This variant has not been reported in the literature in individuals affected with LAMA4-related conditions. This variant is present in population databases (no rsID available, gnomAD 0.002%). This sequence change creates a premature translational stop signal (p.Asn150Lysfs*9) in the LAMA4 gene. It is expected to result in an absent or disrupted protein product. However, the current clinical and genetic evidence is not sufficient to establish whether loss-of-function variants in LAMA4 cause disease.

Fulgent Genetics
Classification: Uncertain significance for Dilated cardiomyopathy 1JJ. Last evaluated: 2021-09-17. Review status: criteria provided, single submitter. Criteria: ACMG Guidelines, 2015. Collection method: clinical testing. Allele origin: unknown.

NM_001105206.3(LAMA4):c.449dup (p.Asn150fs)

Gene: LAMA4 (laminin subunit alpha 4; minus strand). Cytogenetic location: 6q21.
Variant type: Duplication.
Coding change: c.449dup on transcript NM_001105206.3 (MANE Select); coding-DNA position 449, one base duplicated (A; older notation c.449dupA).
Protein change: p.Asn150fs; shifts the reading frame from asparagine 150.
Molecular consequence: frameshift variant.
Genome position (GRCh38, 1-based): chr6:112,201,662, T duplicated on the plus strand (A on the coding strand, the reverse complement: LAMA4 is on the minus strand); the first of 5 consecutive T bases (chr6:112,201,662-112,201,666); duplicating any one gives the same sequence. VCF-style (leftmost placement, unchanged base first): chr6-112201661-A-AT. GRCh37 (hg19) VCF-style: chr6-112522862-A-AT.
Other names: c.449dup (LRG_433t2); c.449dup, p.Asn150fs (NM_001105207.3, NM_002290.5); c.449dupA (NM_002290.3); short protein forms N150fs.
Identifiers: ClinVar variation 518536 (VCV000518536.11), dbSNP rs1249093492, ClinGen allele CA451597955.